The following is an entry in ClinVar:

ClinVar aggregate classification (germline): Uncertain significance (1 of 4 stars; one submission).

Conditions:
Hereditary cancer-predisposing syndrome. Also called: Neoplastic Syndromes, Hereditary; Tumor predisposition; Hereditary Cancer Syndrome; Hereditary neoplastic syndrome. Identifiers: Orphanet 140162, MedGen C0027672, MeSH D009386, MONDO:0015356.

Submission:

Ambry Genetics
Classification: Uncertain significance for Hereditary cancer-predisposing syndrome. Last evaluated: 2025-12-17. Review status: criteria provided, single submitter. Criteria: Ambry Variant Classification Scheme 2023. Collection method: clinical testing. Allele origin: germline.
Comment: The p.C157R variant (also known as c.469T>C), located in coding exon 4 of the ATM gene, results from a T to C substitution at nucleotide position 469. The cysteine at codon 157 is replaced by arginine, an amino acid with highly dissimilar properties. In an assay testing ATM function, this variant showed a functionally indeterminant result (Lee KS et al. Cell, 2025 Sep;188:5081-5099.e27). This amino acid position is highly conserved in available vertebrate species. In addition, this alteration is predicted to be deleterious by in silico analysis. Based on the available evidence, the clinical significance of this variant remains unclear.

Literature cited by the submitters: PubMed 40580951.

NM_000051.4(ATM):c.469T>C (p.Cys157Arg)

Gene: ATM (ATM serine/threonine kinase; plus strand). Cytogenetic location: 11q22.3.
Variant type: single nucleotide variant.
Coding change: c.469T>C on transcript NM_000051.4 (MANE Select); coding-DNA position 469, T replaced by C.
Protein change: p.Cys157Arg; replaces cysteine 157 with arginine.
Molecular consequence: missense variant.
Genome position (GRCh38, 1-based): chr11:108,235,807, T>C. VCF-style: chr11-108235807-T-C. GRCh37 (hg19) VCF-style: chr11-108106534-T-C.
Other names: c.469T>C, p.Cys157Arg (NM_001351834.2); short protein forms C157R.
Identifiers: ClinVar variation 4843902 (VCV004843902.1).